The following is an entry in ClinVar:

NM_015450.3(POT1):c.1310A>G (p.His437Arg)

Gene: POT1 (protection of telomeres 1; minus strand). Cytogenetic location: 7q31.33.
Variant type: single nucleotide variant.
Coding change: c.1310A>G on transcript NM_015450.3 (MANE Select); coding-DNA position 1310, A replaced by G.
Protein change: p.His437Arg; replaces histidine 437 with arginine.
Molecular consequence: missense variant. On other transcripts: non-coding transcript variant (3).
Genome position (GRCh38, 1-based): chr7:124,841,032, T>C on the plus strand (A>G on the coding strand, the complement: POT1 is on the minus strand). VCF-style: chr7-124841032-T-C. GRCh37 (hg19) VCF-style: chr7-124481086-T-C.
Other names: c.917A>G, p.His306Arg (NM_001042594.2); short protein forms H437R, H306R.
Identifiers: ClinVar variation 961588 (VCV000961588.11), dbSNP rs750331813, ClinGen allele CA4465165.

ClinVar aggregate classification (germline): Uncertain significance. Review status: criteria provided, multiple submitters, no conflicts (2 of 4 stars). 2 submissions from 2 submitters: Uncertain significance (2). Last evaluated 2025-04-04.

Conditions:
Hereditary cancer-predisposing syndrome. Also called: Tumor predisposition; Hereditary Cancer Syndrome; Neoplastic Syndromes, Hereditary; Hereditary neoplastic syndrome. Identifiers: Orphanet 140162, MedGen C0027672, MeSH D009386, MONDO:0015356.
Tumor predisposition syndrome 3 (TPDS3). Also called: Melanoma, cutaneous malignant, susceptibility to, 10; Glioma susceptibility 9; LONG TELOMERE SYNDROME, POT1-RELATED; POT1 Tumor Predisposition. Identifiers: Orphanet 618, MedGen C4014476, MONDO:0014368, OMIM 615848.

Allele frequency attached by ClinVar (database versions not stated): gnomAD exomes below 0.00001; ExAC 0.00001.
gnomAD v4.1: 1 of 1,612,210 alleles (0.000062%); highest among the groups gnomAD compares: Admixed American, 0.0017%; no homozygotes.

Submissions (2):

Ambry Genetics
Classification: Uncertain significance for Hereditary cancer-predisposing syndrome. Last evaluated: 2025-04-04. Review status: criteria provided, single submitter. Criteria: Ambry Variant Classification Scheme 2023. Collection method: clinical testing. Allele origin: germline.
Comment: The p.H437R variant (also known as c.1310A>G), located in coding exon 10 of the POT1 gene, results from an A to G substitution at nucleotide position 1310. The histidine at codon 437 is replaced by arginine, an amino acid with highly similar properties. This amino acid position is highly conserved in available vertebrate species. In addition, the in silico prediction for this alteration is inconclusive. Based on the available evidence, the clinical significance of this variant remains unclear.

Labcorp Genetics (formerly Invitae), Labcorp
Classification: Uncertain significance for Tumor predisposition syndrome 3. Last evaluated: 2024-01-26. Review status: criteria provided, single submitter. Criteria: Invitae Variant Classification Sherloc (09022015). Collection method: clinical testing. Allele origin: germline.
Comment: This sequence change replaces histidine, which is basic and polar, with arginine, which is basic and polar, at codon 437 of the POT1 protein (p.His437Arg). This variant is present in population databases (rs750331813, gnomAD 0.006%). This variant has not been reported in the literature in individuals affected with POT1-related conditions. ClinVar contains an entry for this variant (Variation ID: 961588). Advanced modeling of protein sequence and biophysical properties (such as structural, functional, and spatial information, amino acid conservation, physicochemical variation, residue mobility, and thermodynamic stability) performed at Invitae indicates that this missense variant is not expected to disrupt POT1 protein function with a negative predictive value of 80%. In summary, the available evidence is currently insufficient to determine the role of this variant in disease. Therefore, it has been classified as a Variant of Uncertain Significance.